The following is an entry in ClinVar:

ClinVar aggregate classification (germline): Likely benign (1 of 4 stars; one submission).

Submission:

CeGaT Center for Human Genetics Tuebingen
Classification: Likely benign. Last evaluated: 2022-11-01. Review status: criteria provided, single submitter. Criteria: CeGaT Center For Human Genetics Tuebingen Variant Classification Criteria Version 2. Collection method: clinical testing. Allele origin: germline. Affected: yes. Observed: 1 variant allele.
Comment: MARVELD2: PM2:Supporting, BP4, BP7

NM_001038603.3(MARVELD2):c.153C>T (p.Leu51=)

Gene: MARVELD2 (MARVEL domain containing 2; plus strand). Cytogenetic location: 5q13.2.
Variant type: single nucleotide variant.
Coding change: c.153C>T on transcript NM_001038603.3 (MANE Select); coding-DNA position 153, C replaced by T.
Protein change: p.Leu51=; no amino-acid change (leucine 51 retained).
Molecular consequence: synonymous variant.
Genome position (GRCh38, 1-based): chr5:69,419,538, C>T. VCF-style: chr5-69419538-C-T. GRCh37 (hg19) VCF-style: chr5-68715365-C-T.
Other names: c.153C>T, p.Leu51= (NM_001244734.2).
Identifiers: ClinVar variation 1879626 (VCV001879626.29), dbSNP rs2534781102, ClinGen allele CA445083090.
Genomic context (GRCh38, chr5:69,419,538, plus strand): 5'-CCCAACTCTTCATGACAGTGAGCGGGCAGTGAGCGCTGATCCCTTGCCACCACCCCCTCT[C>T]CCATTACAGCCACCATTCGGCCCAGACTTCTACTCAAGTGACACAGAAGAACCAGCTATA-3'
Protein context (NP_001033692.2, residues 41-61): VSADPLPPPP[Leu51=]PLQPPFGPDF